The following is an entry in ClinVar:

ClinVar aggregate classification (germline): Conflicting classifications of pathogenicity. Review status: criteria provided, conflicting classifications (1 of 4 stars). 6 submissions from 6 submitters: Pathogenic (1); Likely pathogenic (3); Uncertain significance (1). 1 of the submissions does not count toward it. Last evaluated 2023-10-08.

Conditions:
Malignant hyperthermia, susceptibility to, 1 (MHS1). Also called: RYR1-Related Malignant Hyperthermia Susceptibility; Anesthesia related hyperthermia; Malignant hyperpyrexia; Fulminating hyperpyrexia; Pharmacogenic myopathy; Malignant hyperthermia suceptibility 1. Identifiers: Orphanet 423, MedGen C2930980, MONDO:0007783, OMIM 145600.
RYR1-related disorder. Also called: RYR1-related condition; RYR1-related disorders. Identifiers: MedGen CN239331.
Central core myopathy (CMYO1A). Also called: Central core disease; Myopathy, central fibrillar; CONGENITAL MYOPATHY 1A, AUTOSOMAL DOMINANT, WITH SUSCEPTIBILITY TO MALIGNANT HYPERTHERMIA. Identifiers: Orphanet 597, MedGen C5830701, MONDO:0007294, OMIM 117000.
Congenital multicore myopathy with external ophthalmoplegia (CMYO1B). Also called: MULTICORE MYOPATHY; Congenital myopathy 1B, autosomal recessive; Minicore myopathy; MULTIMINICORE DISEASE WITH EXTERNAL OPHTHALMOPLEGIA; Minicore myopathy with external ophthalmoplegia. Identifiers: Orphanet 598, Orphanet 98905, MedGen C1850674, MONDO:0009712, OMIM 255320, HP:0003789.

Allele frequency attached by ClinVar (database versions not stated): TOPMed below 0.00001; gnomAD 0.00001; gnomAD exomes 0.00001.
gnomAD v4.1: 7 of 1,613,752 alleles (0.00043%); highest among the groups gnomAD compares: Non-Finnish European, 0.00059%; no homozygotes.

Submissions (6):

Labcorp Genetics (formerly Invitae), Labcorp
Classification: Likely pathogenic for RYR1-related disorder. Last evaluated: 2023-10-08. Review status: criteria provided, single submitter. Criteria: Invitae Variant Classification Sherloc (09022015). Collection method: clinical testing. Allele origin: germline.
Comment: This sequence change affects an acceptor splice site in intron 40 of the RYR1 gene. It is expected to disrupt RNA splicing. Variants that disrupt the donor or acceptor splice site typically lead to a loss of protein function (PMID: 16199547), and loss-of-function variants in RYR1 are known to be pathogenic (PMID: 23919265, 25960145, 28818389, 30611313). This variant is present in population databases (no rsID available, gnomAD 0.01%). Disruption of this splice site has been observed in individual(s) with clinical features of RYR1-related conditions (PMID: 32371413). ClinVar contains an entry for this variant (Variation ID: 544381). Algorithms developed to predict the effect of sequence changes on RNA splicing suggest that this variant may disrupt the consensus splice site. In summary, the currently available evidence indicates that the variant is pathogenic, but additional data are needed to prove that conclusively. Therefore, this variant has been classified as Likely Pathogenic.

Color Diagnostics, LLC DBA Color Health
Classification: Uncertain significance for Malignant hyperthermia, susceptibility to, 1. Last evaluated: 2023-10-06. Review status: criteria provided, single submitter. Criteria: ACMG Guidelines, 2015. Collection method: clinical testing. Allele origin: germline.
Comment: This variant causes a A to G nucleotide substitution at the -2 position of intron 40 of the RYR1 gene. Splice site prediction tools predict that this variant may have a significant impact on RNA splicing. To our knowledge, functional studies have not been reported for this variant. This variant has not been reported in individuals affected with autosomal dominant malignant hyperthermia in the literature, although it has been reported in other phenotypes (ClinVar variation ID: 544381). This variant has been identified in 2/31370 chromosomes in the general population by the Genome Aggregation Database (gnomAD). Loss of RYR1 function due to truncation variants is not an established disease mechanism for autosomal dominant malignant hyperthermia, although it is associated with other phenotype(s). Due to insufficient evidence, this variant is classified as a Variant of Uncertain Significance for autosomal dominant malignant hyperthermia.

GeneDx
Classification: Likely pathogenic. Last evaluated: 2023-05-28. Review status: criteria provided, single submitter. Criteria: GeneDx Variant Classification Process June 2021. Collection method: clinical testing. Allele origin: germline. Affected: yes.
Comment: Canonical splice site variant predicted to result in a null allele in a gene for which loss of function is a known mechanism of disease; Not observed at significant frequency in large population cohorts (gnomAD); Observed in trans with a second RYR1 variant in an individual undergoing clinical whole exome sequencing; however detailed clinical information was not provided (Miller et al., 2020); This variant is associated with the following publications: (PMID: 32371413)

Institute for Genomic Medicine (IGM) Clinical Laboratory, Nationwide Children's Hospital
Classification: Pathogenic for Congenital multicore myopathy with external ophthalmoplegia; Central core myopathy. Last evaluated: 2018-04-16. Review status: criteria provided, single submitter. Criteria: ACMG Guidelines, 2015. Collection method: clinical testing. Allele origin: germline. Affected: yes.
Comment: [ACMG/AMP: PVS1, PM2, PP3] This alteration is a null variant in a gene where LOF is a known mechanism of disease [PVS1], is absent from or rarely observed in large-scale population databases [PM2], is predicted to be damaging by multiple functional prediction tools [PP3].

PreventionGenetics, part of Exact Sciences
Classification: Likely pathogenic. Last evaluated: 2017-06-06. Review status: criteria provided, single submitter. Criteria: ACMG Guidelines, 2015. Collection method: clinical testing. Allele origin: germline.

All of Us Research Program, National Institutes of Health
Classification: Uncertain significance for Malignant hyperthermia, susceptibility to, 1. Last evaluated: 2024-01-03. Review status: flagged submission. Criteria: ACMG Guidelines, 2015. Collection method: clinical testing. Allele origin: germline. Inheritance: Autosomal dominant inheritance. Observed: 2 variant alleles, 2 heterozygotes. Not counted in ClinVar's aggregate classification.
Comment: This variant causes a A to G nucleotide substitution at the -2 position of intron 40 of the RYR1 gene. Splice site prediction tools predict that this variant may have a significant impact on RNA splicing. To our knowledge, functional studies have not been reported for this variant. This variant has not been reported in individuals affected with autosomal dominant malignant hyperthermia in the literature, although it has been reported in other phenotypes (ClinVar variation ID: 544381). This variant has been identified in 2/31370 chromosomes in the general population by the Genome Aggregation Database (gnomAD). Loss of RYR1 function due to truncation variants is not an established disease mechanism for autosomal dominant malignant hyperthermia, although it is associated with other phenotype(s). Due to insufficient evidence, this variant is classified as a Variant of Uncertain Significance for autosomal dominant malignant hyperthermia.

This study involves interpretation of variants in research participants for the purpose of population health screening. Participant phenotype was not available at the time of variant classification. Additional details can be found in publication PMID: 35346344, PMCID: PMC8962531
ClinVar note: Reason: Outlier claim with insufficient supporting evidence

Literature cited by the submitters: PubMed 16199547 (cited by Labcorp Genetics (formerly Invitae), Labcorp); PubMed 23919265 (cited by Labcorp Genetics (formerly Invitae), Labcorp); PubMed 25960145 (cited by Labcorp Genetics (formerly Invitae), Labcorp); PubMed 28818389 (cited by Labcorp Genetics (formerly Invitae), Labcorp); PubMed 30611313 (cited by Labcorp Genetics (formerly Invitae), Labcorp); PubMed 32371413 (cited by Labcorp Genetics (formerly Invitae), Labcorp).

NM_000540.3(RYR1):c.6664-2A>G

Gene: RYR1 (ryanodine receptor 1; plus strand). Cytogenetic location: 19q13.2.
Variant type: single nucleotide variant.
Coding change: c.6664-2A>G on transcript NM_000540.3 (MANE Select); the canonical splice acceptor site of the intron before coding-DNA position 6664, A replaced by G.
Molecular consequence: splice acceptor variant.
Genome position (GRCh38, 1-based): chr19:38,496,407, A>G. VCF-style: chr19-38496407-A-G. GRCh37 (hg19) VCF-style: chr19-38987047-A-G.
Other names: c.6664-2A>G (NM_001042723.2).
Identifiers: ClinVar variation 544381 (VCV000544381.19), dbSNP rs1346257891, ClinGen allele CA405666150.